The following is an entry in ClinVar:

NM_000138.5(FBN1):c.2764A>T (p.Lys922Ter)

Gene: FBN1 (fibrillin 1; minus strand). Cytogenetic location: 15q21.1.
Variant type: single nucleotide variant.
Coding change: c.2764A>T on transcript NM_000138.5 (MANE Select); coding-DNA position 2764, A replaced by T.
Protein change: p.Lys922Ter; replaces lysine 922 with a stop codon.
Molecular consequence: nonsense.
Genome position (GRCh38, 1-based): chr15:48,492,551, T>A on the plus strand (A>T on the coding strand, the complement: FBN1 is on the minus strand). VCF-style: chr15-48492551-T-A. GRCh37 (hg19) VCF-style: chr15-48784748-T-A.
Other names: short protein forms K922*.
Identifiers: ClinVar variation 1068829 (VCV001068829.7), dbSNP rs2141300454, ClinGen allele CA392330774.
Genomic context (GRCh38, chr15:48,492,551, plus strand): 5'-TCATTCCACTGGGACACTGACACTTGAATGACCCCCTAGTGTTAACACACAGGCCATTTT[T>A]ACACACTCCTGGGAACACTTCACATTCATCTATATCTAAAAAGAAAAAAAAAGTATAAAG-3'

ClinVar aggregate classification (germline): Pathogenic (1 of 4 stars; one submission).

Conditions:
Marfan syndrome (MFS). Also called: FBN1-Related Marfan Syndrome; MARFAN SYNDROME, TYPE I; Marfan syndrome type 1; Marfan's syndrome; Marfan syndrome, classic. Identifiers: Orphanet 284963, Orphanet 558, MedGen C0024796, MONDO:0007947, OMIM 154700.
Familial thoracic aortic aneurysm and aortic dissection (TAAD). Also called: Thoracic aortic aneurysms and dissections. Identifiers: Orphanet 91387, MedGen C4707243, MONDO:0019625.

Submission:

Labcorp Genetics (formerly Invitae), Labcorp
Classification: Pathogenic for Marfan syndrome; Familial thoracic aortic aneurysm and aortic dissection. Last evaluated: 2025-02-04. Review status: criteria provided, single submitter. Criteria: Invitae Variant Classification Sherloc (09022015). Collection method: clinical testing. Allele origin: germline.
Comment: This sequence change creates a premature translational stop signal (p.Lys922*) in the FBN1 gene. It is expected to result in an absent or disrupted protein product. Loss-of-function variants in FBN1 are known to be pathogenic (PMID: 17657824, 19293843). This variant is not present in population databases (gnomAD no frequency). This variant has not been reported in the literature in individuals affected with FBN1-related conditions. ClinVar contains an entry for this variant (Variation ID: 1068829). For these reasons, this variant has been classified as Pathogenic.

Literature cited by the submitters: PubMed 17657824; PubMed 19293843.